The following is an entry in ClinVar:

NM_152383.5(DIS3L2):c.1544C>G (p.Pro515Arg)

Gene: DIS3L2 (DIS3 like 3'-5' exoribonuclease 2; plus strand). Cytogenetic location: 2q37.1.
Variant type: single nucleotide variant.
Coding change: c.1544C>G on transcript NM_152383.5 (MANE Select); coding-DNA position 1544, C replaced by G.
Protein change: p.Pro515Arg; replaces proline 515 with arginine.
Molecular consequence: missense variant. On other transcripts: non-coding transcript variant (2).
Genome position (GRCh38, 1-based): chr2:232,263,325, C>G. VCF-style: chr2-232263325-C-G. GRCh37 (hg19) VCF-style: chr2-233128035-C-G.
Other names: c.1544C>G, p.Pro515Arg (NM_001257281.2); short protein forms P515R.
Identifiers: ClinVar variation 960780 (VCV000960780.10), dbSNP rs756176597, ClinGen allele CA350975495.
Genomic context (GRCh38, chr2:232,263,325, plus strand): 5'-AGCATGCACAGAGCATGATTGAAAGCCCAACTGAGAAAATCCCTGCGAAAGAGCTGCCCC[C>G]CATTTCCCCAGAGCATAGCAGCGAGGAGGTACACCAGGCCGTCTTGAATCTCCACGGAAT-3'
Protein context (NP_689596.4, residues 505-525): TEKIPAKELP[Pro515Arg]ISPEHSSEEV

ClinVar aggregate classification (germline): Uncertain significance (1 of 4 stars; one submission).

Conditions:
Perlman syndrome (PRLMNS). Identifiers: Orphanet 2849, MedGen C0796113, MONDO:0009965, OMIM 267000.

gnomAD v4.1: 1 of 1,614,222 alleles (0.000062%); highest among the groups gnomAD compares: Non-Finnish European, 0.000085%; no homozygotes.

Submission:

Labcorp Genetics (formerly Invitae), Labcorp
Classification: Uncertain significance for Perlman syndrome. Last evaluated: 2023-10-27. Review status: criteria provided, single submitter. Criteria: Invitae Variant Classification Sherloc (09022015). Collection method: clinical testing. Allele origin: germline.
Comment: This sequence change replaces proline, which is neutral and non-polar, with arginine, which is basic and polar, at codon 515 of the DIS3L2 protein (p.Pro515Arg). This variant is not present in population databases (gnomAD no frequency). This variant has not been reported in the literature in individuals affected with DIS3L2-related conditions. ClinVar contains an entry for this variant (Variation ID: 960780). An algorithm developed to predict the effect of missense changes on protein structure and function (PolyPhen-2) suggests that this variant is likely to be disruptive. In summary, the available evidence is currently insufficient to determine the role of this variant in disease. Therefore, it has been classified as a Variant of Uncertain Significance.